The following is an entry in ClinVar:

ClinVar aggregate classification (germline): Uncertain significance. Review status: criteria provided, multiple submitters, no conflicts (2 of 4 stars). 6 submissions from 6 submitters: Uncertain significance (5). 1 of the submissions does not count toward it. Last evaluated 2025-04-24.

Conditions:
Inborn genetic diseases. Identifiers: MedGen C0950123, MeSH D030342.
Nemaline myopathy 2 (NEM2). Also called: Nemaline myopathy 2, autosomal recessive. Identifiers: MedGen C1850569, MONDO:0009725, OMIM 256030.

Allele frequency attached by ClinVar (database versions not stated): TOPMed 0.00009; gnomAD 0.00014 and 0.00015; gnomAD exomes 0.00016 and 0.00019; ExAC 0.00018; 1000 Genomes Project 0.00020; 1000 Genomes Project 30x 0.00031.
gnomAD v4.1: 293 of 1,613,904 alleles (0.018%); highest among the groups gnomAD compares: South Asian, 0.075%; 1 homozygote.

Submissions (6):

Ambry Genetics
Classification: Uncertain significance for Inborn genetic diseases. Last evaluated: 2025-04-24. Review status: criteria provided, single submitter. Criteria: Ambry Variant Classification Scheme 2023. Collection method: clinical testing. Allele origin: germline.

Blueprint Genetics
Classification: Uncertain significance. Last evaluated: 2024-04-08. Review status: criteria provided, single submitter. Criteria: ACMG Guidelines, 2015. Collection method: clinical testing. Allele origin: germline.

Revvity Omics, Revvity
Classification: Uncertain significance. Last evaluated: 2023-10-17. Review status: criteria provided, single submitter. Criteria: ACMG Guidelines, 2015. Collection method: clinical testing. Allele origin: germline.

Labcorp Genetics (formerly Invitae), Labcorp
Classification: Uncertain significance for Nemaline myopathy 2. Last evaluated: 2022-06-03. Review status: criteria provided, single submitter. Criteria: Invitae Variant Classification Sherloc (09022015). Collection method: clinical testing. Allele origin: germline.
Comment: This sequence change replaces arginine, which is basic and polar, with glutamine, which is neutral and polar, at codon 3373 of the NEB protein (p.Arg3373Gln). This variant is present in population databases (rs568814745, gnomAD 0.07%). This variant has not been reported in the literature in individuals affected with NEB-related conditions. ClinVar contains an entry for this variant (Variation ID: 451633). Algorithms developed to predict the effect of missense changes on protein structure and function are either unavailable or do not agree on the potential impact of this missense change (SIFT: "Deleterious"; PolyPhen-2: "Not Available"; Align-GVGD: "Class C0"). Algorithms developed to predict the effect of sequence changes on RNA splicing suggest that this variant may create or strengthen a splice site. In summary, the available evidence is currently insufficient to determine the role of this variant in disease. Therefore, it has been classified as a Variant of Uncertain Significance.

GeneDx
Classification: Uncertain significance. Last evaluated: 2017-08-31. Review status: criteria provided, single submitter. Criteria: GeneDx Variant Classification (06012015). Collection method: clinical testing. Allele origin: germline. Affected: yes.
Comment: The R3373Q variant has not been published as a pathogenic variant, nor has it been reported as a benign variant to our knowledge. The R3373Q variant is observed in 7/66,704 (0.01%) alleles from individuals of European background (Lek et al., 2016; 1000 Genomes Consortium et al., 2015; Exome Variant Server). Most reported pathogenic variants in the NEB gene are truncating/loss-of-function. This substitution occurs at a position where amino acids with similar properties to Arginine are tolerated across species. However, this variant is a semi-conservative amino acid substitution, which may impact secondary protein structure as these residues differ in some properties. In silico analysis is inconsistent in its predictions as to whether or not the variant is damaging to the protein structure/function.

Natera, Inc.
Classification: Uncertain significance for Nemaline myopathy type 2. Last evaluated: 2020-01-17. Review status: no assertion criteria provided. Collection method: clinical testing. Allele origin: germline. Not counted in ClinVar's aggregate classification.

NM_001164508.2(NEB):c.10118G>A (p.Arg3373Gln)

Gene: NEB (nebulin; minus strand). Cytogenetic location: 2q23.3.
Variant type: single nucleotide variant.
Coding change: c.10118G>A on transcript NM_001164508.2 (MANE Select); coding-DNA position 10118, G replaced by A.
Protein change: p.Arg3373Gln; replaces arginine 3373 with glutamine.
Molecular consequence: missense variant.
Genome position (GRCh38, 1-based): chr2:151,627,548, C>T on the plus strand (G>A on the coding strand, the complement: NEB is on the minus strand). VCF-style: chr2-151627548-C-T. GRCh37 (hg19) VCF-style: chr2-152484062-C-T.
Other names: c.10118G>A, p.Arg3373Gln (NM_001164507.2, NM_001271208.2); c.9389G>A, p.Arg3130Gln (NM_004543.5); c.9389G>A (NM_004543.4); short protein forms R3373Q, R3130Q.
Identifiers: ClinVar variation 451633 (VCV000451633.11), dbSNP rs568814745, ClinGen allele CA1909119.